The following is an entry in ClinVar:

ClinVar aggregate classification (germline): Uncertain significance (1 of 4 stars; one submission).

Conditions:
Inborn genetic diseases. Identifiers: MedGen C0950123, MeSH D030342.

Allele frequency attached by ClinVar (database versions not stated): gnomAD exomes below 0.00001.
gnomAD v4.1: 1 of 1,525,044 alleles (0.000066%); highest among the groups gnomAD compares: Non-Finnish European, 0.000091%; no homozygotes.

Submission:

Ambry Genetics
Classification: Uncertain significance for Inborn genetic diseases. Last evaluated: 2022-09-06. Review status: criteria provided, single submitter. Criteria: Ambry Variant Classification Scheme 2023. Collection method: clinical testing. Allele origin: germline.
Comment: The c.3042+1G>A intronic alteration consists of a G to A substitution one nucleotide after exon 22 of the SLC12A6 gene. Alterations that disrupt the canonical splice donor site are typically deleterious in nature (Richards, 2015). This variant was not reported in population-based cohorts in the Genome Aggregation Database (gnomAD). Based on internal structural analysis, H979_E1014del removes and is in contact with phosphorylation sites critical to regulation of SLC12A6 (Garneau, 2017; Melo, 2013; Rinehart, 2009; Chi, 2021). Based on insufficient or conflicting evidence, the clinical significance of this alteration remains unclear.

Literature cited by the submitters: PubMed 19665974; PubMed 24043619; PubMed 28814402; PubMed 33199848.

NM_001365088.1(SLC12A6):c.3042+1G>A

Gene: SLC12A6 (solute carrier family 12 member 6; minus strand). Cytogenetic location: 15q14.
Variant type: single nucleotide variant.
Coding change: c.3042+1G>A on transcript NM_001365088.1 (MANE Select); the canonical splice donor site of the intron after coding-DNA position 3042, G replaced by A.
Molecular consequence: splice donor variant.
Genome position (GRCh38, 1-based): chr15:34,236,707, C>T on the plus strand (G>A on the coding strand, the complement: SLC12A6 is on the minus strand). VCF-style: chr15-34236707-C-T. GRCh37 (hg19) VCF-style: chr15-34528908-C-T.
Other names: c.2865+1G>A (NM_001042495.2, NM_001042494.2); c.3015+1G>A (NM_001042496.2); c.2997+1G>A (NM_001042497.2); c.3042+1G>A (NM_133647.2); c.2889+1G>A (NM_005135.2).
Identifiers: ClinVar variation 2305568 (VCV002305568.2), dbSNP rs2509745746, ClinGen allele CA391617856.